The following is an entry in ClinVar:

NM_006642.5(SDCCAG8):c.1222A>G (p.Met408Val)

Gene: SDCCAG8 (SHH signaling and ciliogenesis regulator SDCCAG8; plus strand). Cytogenetic location: 1q43.
Variant type: single nucleotide variant.
Coding change: c.1222A>G on transcript NM_006642.5 (MANE Select); coding-DNA position 1222, A replaced by G.
Protein change: p.Met408Val; replaces methionine 408 with valine.
Molecular consequence: missense variant.
Genome position (GRCh38, 1-based): chr1:243,341,039, A>G. VCF-style: chr1-243341039-A-G. GRCh37 (hg19) VCF-style: chr1-243504341-A-G.
Other names: c.319A>G, p.Met107Val (NM_001350246.2, NM_001350247.2, NM_001350251.2); c.1318A>G, p.Met440Val (NM_001350248.2); c.928A>G, p.Met310Val (NM_001350249.2); short protein forms M310V, M408V, M440V, M107V.
Identifiers: ClinVar variation 1034458 (VCV001034458.8), dbSNP rs752002252, ClinGen allele CA1483598.

ClinVar aggregate classification (germline): Uncertain significance (1 of 4 stars; one submission).

Conditions:
Senior-Loken syndrome 7 (SLSN7). Identifiers: Orphanet 3156, MedGen C3150877, MONDO:0013326, OMIM 613615.
Bardet-Biedl syndrome 16 (BBS16). Identifiers: Orphanet 110, MedGen C3889474, MONDO:0014444, OMIM 615993.

Allele frequency attached by ClinVar (database versions not stated): gnomAD exomes below 0.00001; ExAC 0.00001; gnomAD 0.00001.
gnomAD v4.1: 3 of 1,613,268 alleles (0.00019%); highest among the groups gnomAD compares: African/African-American, 0.0027%; no homozygotes.

Submission:

Labcorp Genetics (formerly Invitae), Labcorp
Classification: Uncertain significance for Bardet-Biedl syndrome 16; Senior-Loken syndrome 7. Last evaluated: 2020-08-25. Review status: criteria provided, single submitter. Criteria: Invitae Variant Classification Sherloc (09022015). Collection method: clinical testing. Allele origin: germline.
Comment: This sequence change replaces methionine with valine at codon 408 of the SDCCAG8 protein (p.Met408Val). The methionine residue is moderately conserved and there is a small physicochemical difference between methionine and valine. This variant is present in population databases (rs752002252, ExAC 0.01%). This variant has not been reported in the literature in individuals with SDCCAG8-related conditions. Algorithms developed to predict the effect of missense changes on protein structure and function output the following: SIFT: "Tolerated"; PolyPhen-2: "Benign"; Align-GVGD: "Class C0". The valine amino acid residue is found in multiple mammalian species, suggesting that this missense change does not adversely affect protein function. These predictions have not been confirmed by published functional studies and their clinical significance is uncertain. Algorithms developed to predict the effect of sequence changes on RNA splicing suggest that this variant may create or strengthen a splice site, but this prediction has not been confirmed by published transcriptional studies. In summary, the available evidence is currently insufficient to determine the role of this variant in disease. Therefore, it has been classified as a Variant of Uncertain Significance.